The following is an entry in ClinVar:

NM_000535.7(PMS2):c.1783G>C (p.Val595Leu)

Gene: PMS2 (PMS1 homolog 2, mismatch repair system component; minus strand). Cytogenetic location: 7p22.1.
Variant type: single nucleotide variant.
Coding change: c.1783G>C on transcript NM_000535.7 (MANE Select); coding-DNA position 1783, G replaced by C.
Protein change: p.Val595Leu; replaces valine 595 with leucine.
Molecular consequence: missense variant. On other transcripts: non-coding transcript variant (1).
Genome position (GRCh38, 1-based): chr7:5,986,982, C>G on the plus strand (G>C on the coding strand, the complement: PMS2 is on the minus strand). VCF-style: chr7-5986982-C-G. GRCh37 (hg19) VCF-style: chr7-6026613-C-G.
Other names: c.1378G>C, p.Val460Leu (NM_001322003.2, NM_001322004.2, NM_001322005.2 and 1 more transcripts); c.1627G>C, p.Val543Leu (NM_001322006.2); c.1465G>C, p.Val489Leu (NM_001322007.2, NM_001322008.2); c.1222G>C, p.Val408Leu (NM_001322010.2); c.850G>C, p.Val284Leu (NM_001322011.2, NM_001322012.2); c.1210G>C, p.Val404Leu (NM_001322013.2); c.1783G>C, p.Val595Leu (NM_001322014.2); c.1474G>C, p.Val492Leu (NM_001322015.2); short protein forms V595L, V404L, V460L, V543L, V408L, V284L, V489L, V492L.
Identifiers: ClinVar variation 484325 (VCV000484325.17), dbSNP rs1171070752, ClinGen allele CA366739877.

ClinVar aggregate classification (germline): Conflicting classifications of pathogenicity. Review status: criteria provided, conflicting classifications (1 of 4 stars). 3 submissions from 3 submitters: Uncertain significance (2); Likely benign (1). Last evaluated 2025-05-27.

Conditions:
Hereditary nonpolyposis colorectal neoplasms. Identifiers: MedGen C0009405, MeSH D003123.
Hereditary cancer-predisposing syndrome. Also called: Neoplastic Syndromes, Hereditary; Tumor predisposition; Hereditary Cancer Syndrome; Hereditary neoplastic syndrome. Identifiers: Orphanet 140162, MedGen C0027672, MeSH D009386, MONDO:0015356.

Allele frequency attached by ClinVar (database versions not stated): TOPMed below 0.00001.
gnomAD v4.1: 1 of 1,614,148 alleles (0.000062%); highest among the groups gnomAD compares: Non-Finnish European, 0.000085%; no homozygotes.

Submissions (3):

Ambry Genetics
Classification: Likely benign for Hereditary cancer-predisposing syndrome. Last evaluated: 2025-05-27. Review status: criteria provided, single submitter. Criteria: Ambry Variant Classification Scheme 2023. Collection method: clinical testing. Allele origin: germline.

Labcorp Genetics (formerly Invitae), Labcorp
Classification: Uncertain significance for Hereditary nonpolyposis colorectal neoplasms. Last evaluated: 2024-08-16. Review status: criteria provided, single submitter. Criteria: Invitae Variant Classification Sherloc (09022015). Collection method: clinical testing. Allele origin: germline.
Comment: This sequence change replaces valine, which is neutral and non-polar, with leucine, which is neutral and non-polar, at codon 595 of the PMS2 protein (p.Val595Leu). This variant is not present in population databases (gnomAD no frequency). This variant has not been reported in the literature in individuals affected with PMS2-related conditions. ClinVar contains an entry for this variant (Variation ID: 484325). Invitae Evidence Modeling of protein sequence and biophysical properties (such as structural, functional, and spatial information, amino acid conservation, physicochemical variation, residue mobility, and thermodynamic stability) indicates that this missense variant is not expected to disrupt PMS2 protein function with a negative predictive value of 80%. In summary, the available evidence is currently insufficient to determine the role of this variant in disease. Therefore, it has been classified as a Variant of Uncertain Significance.

Color Diagnostics, LLC DBA Color Health
Classification: Uncertain significance for Hereditary cancer-predisposing syndrome. Last evaluated: 2023-02-17. Review status: criteria provided, single submitter. Criteria: ACMG Guidelines, 2015. Collection method: clinical testing. Allele origin: germline.
Comment: This missense variant replaces valine with leucine at codon 595 of the PMS2 protein. Computational prediction suggests that this variant may not impact protein structure and function (internally defined REVEL score threshold <= 0.5, PMID: 27666373). To our knowledge, functional studies have not been reported for this variant. This variant has not been reported in individuals affected with PMS2-related disorders in the literature. This variant has not been identified in the general population by the Genome Aggregation Database (gnomAD). The available evidence is insufficient to determine the role of this variant in disease conclusively. Therefore, this variant is classified as a Variant of Uncertain Significance.